The following is an entry in ClinVar:

NM_000038.6(APC):c.6681C>T (p.Gly2227=)

Gene: APC (APC regulator of Wnt signaling pathway; plus strand). Cytogenetic location: 5q22.2.
Variant type: single nucleotide variant.
Coding change: c.6681C>T on transcript NM_000038.6 (MANE Select); coding-DNA position 6681, C replaced by T.
Protein change: p.Gly2227=; no amino-acid change (glycine 2227 retained).
Molecular consequence: synonymous variant.
Genome position (GRCh38, 1-based): chr5:112,842,275, C>T. VCF-style: chr5-112842275-C-T. GRCh37 (hg19) VCF-style: chr5-112177972-C-T.
Other names: c.6735C>T, p.Gly2245= (NM_001354896.2); c.6711C>T, p.Gly2237= (NM_001354897.2); c.6606C>T, p.Gly2202= (NM_001354898.2); c.6681C>T, p.Gly2227= (NM_001127510.3, NM_001354895.2); c.6597C>T, p.Gly2199= (NM_001354899.2); c.6558C>T, p.Gly2186= (NM_001354900.2); c.6627C>T, p.Gly2209= (NM_001127511.3); c.6504C>T, p.Gly2168= (NM_001354901.2); and 5 more.
Identifiers: ClinVar variation 482465 (VCV000482465.6), dbSNP rs1554087623, ClinGen allele CA446209918.

ClinVar aggregate classification (germline): Benign/Likely benign. Review status: criteria provided, multiple submitters, no conflicts (2 of 4 stars). 2 submissions from 2 submitters: Benign (1); Likely benign (1). Last evaluated 2024-04-05.

Conditions:
Hereditary cancer-predisposing syndrome. Also called: Neoplastic Syndromes, Hereditary; Tumor predisposition; Hereditary Cancer Syndrome; Hereditary neoplastic syndrome. Identifiers: Orphanet 140162, MedGen C0027672, MeSH D009386, MONDO:0015356.
Familial adenomatous polyposis 1 (FAP1). Also called: FAMILIAL ADENOMATOUS POLYPOSIS 1, ATTENUATED; POLYPOSIS, ADENOMATOUS INTESTINAL. Identifiers: MedGen C2713442, MONDO:0021056, OMIM 175100. Disease mechanism: loss of function.

gnomAD v4.1: 1 of 1,613,946 alleles (0.000062%); highest among the groups gnomAD compares: African/African-American, 0.0013%; no homozygotes.

Submissions (2):

Myriad Genetics, Inc.
Classification: Benign for Familial adenomatous polyposis 1. Last evaluated: 2024-04-05. Review status: criteria provided, single submitter. Criteria: Myriad Autosomal Dominant, Autosomal Recessive and X-Linked Classification Criteria (2023). Collection method: clinical testing. Allele origin: unknown.
Comment: This variant is considered benign. This variant is a silent/synonymous amino acid change and it is not expected to impact splicing.

Ambry Genetics
Classification: Likely benign for Hereditary cancer-predisposing syndrome. Last evaluated: 2017-03-28. Review status: criteria provided, single submitter. Criteria: Ambry Variant Classification Scheme 2023. Collection method: clinical testing. Allele origin: germline.